The following is an entry in ClinVar:

ClinVar aggregate classification (germline): Uncertain significance. Review status: criteria provided, multiple submitters, no conflicts (2 of 4 stars). 2 submissions from 2 submitters: Uncertain significance (2). Last evaluated 2024-09-17.

Submissions (2):

Blueprint Genetics
Classification: Uncertain significance. Last evaluated: 2024-09-17. Review status: criteria provided, single submitter. Criteria: ACMG Guidelines, 2015. Collection method: clinical testing. Allele origin: germline.

Labcorp Genetics (formerly Invitae), Labcorp
Classification: Uncertain significance. Last evaluated: 2020-09-17. Review status: criteria provided, single submitter. Criteria: Invitae Variant Classification Sherloc (09022015). Collection method: clinical testing. Allele origin: germline.
Comment: This sequence change replaces arginine with leucine at codon 77 of the POLE protein (p.Arg77Leu). The arginine residue is highly conserved and there is a moderate physicochemical difference between arginine and leucine. In summary, the available evidence is currently insufficient to determine the role of this variant in disease. Therefore, it has been classified as a Variant of Uncertain Significance. Algorithms developed to predict the effect of missense changes on protein structure and function are either unavailable or do not agree on the potential impact of this missense change (SIFT: "Tolerated"; PolyPhen-2: "Possibly Damaging"; Align-GVGD: "Class C0"). This variant has not been reported in the literature in individuals with POLE-related conditions. This variant is not present in population databases (ExAC no frequency).

NM_006231.4(POLE):c.230G>T (p.Arg77Leu)

Gene: POLE (DNA polymerase epsilon, catalytic subunit; minus strand). Cytogenetic location: 12q24.33.
Variant type: single nucleotide variant.
Coding change: c.230G>T on transcript NM_006231.4 (MANE Select); coding-DNA position 230, G replaced by T.
Protein change: p.Arg77Leu; replaces arginine 77 with leucine.
Molecular consequence: missense variant.
Genome position (GRCh38, 1-based): chr12:132,680,662, C>A on the plus strand (G>T on the coding strand, the complement: POLE is on the minus strand). VCF-style: chr12-132680662-C-A. GRCh37 (hg19) VCF-style: chr12-133257248-C-A.
Other names: short protein forms R77L.
Identifiers: ClinVar variation 1039003 (VCV001039003.9), dbSNP rs774404704, ClinGen allele CA387369261.